The following is an entry in ClinVar:

ClinVar aggregate classification (germline): Pathogenic (1 of 4 stars; one submission).

Conditions:
Hereditary spastic paraplegia 31. Also called: SPASTIC PARAPLEGIA 31, AUTOSOMAL DOMINANT. Identifiers: Orphanet 101011, MedGen C1853247, MONDO:0012453, OMIM 610250.

Submission:

Labcorp Genetics (formerly Invitae), Labcorp
Classification: Pathogenic for Spastic paraplegia 31, autosomal dominant. Last evaluated: 2019-05-17. Review status: criteria provided, single submitter. Criteria: Invitae Variant Classification Sherloc (09022015). Collection method: clinical testing. Allele origin: germline.
Comment: This variant is an out-of-frame deletion of the genomic region encompassing exons 4-5 of the REEP1 gene. This is expected to create a premature translational stop signal and result in an absent or disrupted protein product. A similar deletion of exons 4-5 has been observed in an individual affected with hereditary spastic paraplegia (PMID: 24451228). Loss-of-function variants in REEP1 are known to be pathogenic (PMID: 18321925, 18644145, 22703882). For these reasons, this variant has been classified as Pathogenic.

Literature cited by the submitters: PubMed 24451228.

NC_000002.12:g.(?_86251947)_(86254824_?)del

Gene: REEP1 (receptor accessory protein 1; minus strand). Cytogenetic location: 2p11.2.
Variant type: Deletion.
Identifiers: ClinVar variation 833174 (VCV000833174.1).